The following is an entry in ClinVar:

ClinVar aggregate classification (germline): Benign/Likely benign. Review status: criteria provided, multiple submitters, no conflicts (2 of 4 stars). 12 submissions from 11 submitters: Benign (4); Likely benign (7). 1 of the submissions does not count toward it. Last evaluated 2026-07-01.

Conditions:
DNM2-related disorder. Also called: DNM2-related condition.
Inborn genetic diseases. Identifiers: MedGen C0950123, MeSH D030342.
Charcot-Marie-Tooth disease dominant intermediate B (CMTDIB). Also called: CHARCOT-MARIE-TOOTH NEUROPATHY, DOMINANT INTERMEDIATE B; Charcot-Marie-Tooth disease dominant intermediate 1; CMT DI1; Charcot-Marie-Tooth disease dominant intermediate I. Identifiers: Orphanet 100044, Orphanet 228179, MedGen C1847902, MONDO:0011674, OMIM 606482.
Autosomal dominant centronuclear myopathy. Also called: MYOTUBULAR MYOPATHY, AUTOSOMAL DOMINANT; Myopathy, centronuclear, 3. Identifiers: Orphanet 169189, MedGen C4551952, MeSH D020914, MONDO:0008048, OMIM 160150.

Allele frequency attached by ClinVar (database versions not stated): 1000 Genomes Project 30x 0.00016; 1000 Genomes Project 0.00020; ExAC 0.00096; gnomAD exomes 0.00108; TOPMed 0.00118; gnomAD 0.00121 and 0.00123; ESP Exome Variant Server 0.00169.
gnomAD v4.1: 3,000 of 1,614,112 alleles (0.19%); highest among the groups gnomAD compares: Non-Finnish European, 0.23%; 1 homozygote.

Submissions (12):

CeGaT Center for Human Genetics Tuebingen
Classification: Likely benign. Last evaluated: 2026-07-01. Review status: criteria provided, single submitter. Criteria: CeGaT Center For Human Genetics Tuebingen Variant Classification Criteria Version 2. Collection method: clinical testing. Allele origin: germline. Affected: yes. Observed: 8 variant alleles.
Comment: DNM2: BS2

Women's Health and Genetics/Laboratory Corporation of America, LabCorp
Classification: Likely benign. Last evaluated: 2026-02-03. Review status: criteria provided, single submitter. Criteria: LabCorp Variant Classification Summary - May 2015. Collection method: clinical testing. Allele origin: germline.

Labcorp Genetics (formerly Invitae), Labcorp
Classification: Likely benign for Charcot-Marie-Tooth disease dominant intermediate B. Last evaluated: 2026-01-28. Review status: criteria provided, single submitter. Criteria: Invitae Variant Classification Sherloc (09022015). Collection method: clinical testing. Allele origin: germline.

Mayo Clinic Laboratories, Mayo Clinic
Classification: Likely benign. Last evaluated: 2025-07-18. Review status: criteria provided, single submitter. Criteria: ACMG Guidelines, 2015. Collection method: clinical testing. Allele origin: germline. Observed: 16 variant alleles.
Comment: BS1, BP4

Blueprint Genetics
Classification: Likely benign. Last evaluated: 2024-11-17. Review status: criteria provided, single submitter. Criteria: ACMG Guidelines, 2015. Collection method: clinical testing. Allele origin: germline.

ARUP Laboratories, Molecular Genetics and Genomics, ARUP Laboratories
Classification: Likely benign. Last evaluated: 2023-10-06. Review status: criteria provided, single submitter. Criteria: ARUP Molecular Germline Variant Investigation Process 2024. Collection method: clinical testing. Allele origin: germline.

Ambry Genetics
Classification: Likely benign for Inborn genetic diseases. Last evaluated: 2019-09-26. Review status: criteria provided, single submitter. Criteria: Ambry Variant Classification Scheme 2023. Collection method: clinical testing. Allele origin: germline.

Illumina Laboratory Services, Illumina
Classification: Benign for Autosomal dominant centronuclear myopathy. Last evaluated: 2018-01-12. Review status: criteria provided, single submitter. Criteria: ICSL Variant Classification Criteria 13 December 2019. Collection method: clinical testing. Allele origin: germline.
Comment: This variant was observed in the ICSL laboratory as part of a predisposition screen in an ostensibly healthy population. It had not been previously curated by ICSL or reported in the Human Gene Mutation Database (HGMD: prior to June 1st, 2018), and was therefore a candidate for classification through an automated scoring system. Utilizing variant allele frequency, disease prevalence and penetrance estimates, and inheritance mode, an automated score was calculated to assess if this variant is too frequent to cause the disease. Based on the score and internal cut-off values, a variant classified as benign is not then subjected to further curation. The score for this variant resulted in a classification of benign for this disease.

Illumina Laboratory Services, Illumina
Classification: Benign for Charcot-Marie-Tooth disease dominant intermediate B. Last evaluated: 2018-01-12. Review status: criteria provided, single submitter. Criteria: ICSL Variant Classification Criteria 13 December 2019. Collection method: clinical testing. Allele origin: germline.
Comment: the same text as in the submission from Illumina Laboratory Services, Illumina above.

Eurofins Ntd Llc (ga)
Classification: Benign. Last evaluated: 2016-01-07. Review status: criteria provided, single submitter. Criteria: EGL Classification Definitions 2015. Collection method: clinical testing. Allele origin: germline. Observed: 1 variant allele, 1 heterozygote.

Genetic Services Laboratory, University of Chicago
Classification: Benign. Last evaluated: 2013-02-08. Review status: criteria provided, single submitter. Criteria: ACMG Guidelines, 2007. Collection method: clinical testing. Allele origin: germline. Inheritance: Autosomal dominant inheritance.

PreventionGenetics, part of Exact Sciences
Classification: Likely benign for DNM2-related condition. Last evaluated: 2021-03-30. Review status: no assertion criteria provided. Collection method: clinical testing. Allele origin: germline. Not counted in ClinVar's aggregate classification.
Comment: This variant is classified as likely benign based on ACMG/AMP sequence variant interpretation guidelines (Richards et al. 2015 PMID: 25741868, with internal and published modifications).

NM_001005361.3(DNM2):c.238C>T (p.His80Tyr)

Gene: DNM2 (dynamin 2; plus strand). Cytogenetic location: 19p13.2.
Variant type: single nucleotide variant.
Coding change: c.238C>T on transcript NM_001005361.3 (MANE Select); coding-DNA position 238, C replaced by T.
Protein change: p.His80Tyr; replaces histidine 80 with tyrosine.
Molecular consequence: missense variant.
Genome position (GRCh38, 1-based): chr19:10,772,481, C>T. VCF-style: chr19-10772481-C-T. GRCh37 (hg19) VCF-style: chr19-10883157-C-T.
Other names: p.His80Tyr; c.238C>T, p.His80Tyr (NM_001005360.3, NM_001005362.3, NM_001190716.2 and 1 more transcripts); short protein forms H80Y.
Identifiers: ClinVar variation 137130 (VCV000137130.105), dbSNP rs148790687, ClinGen allele CA172127.